The following is an entry in ClinVar:

ClinVar aggregate classification (germline): Uncertain significance (1 of 4 stars; one submission).

Conditions:
Deficiency of adenosine deaminase 2. Also called: Polyarteritis nodosa, childhoood-onset; VASCULITIS, AUTOINFLAMMATION, IMMUNODEFICIENCY, AND HEMATOLOGIC DEFECTS SYNDROME; Adenosine Deaminase 2 Deficiency. Identifiers: Orphanet 404553, MedGen C3887654, MONDO:0014306, OMIM 615688, MONDO:0100317.

Allele frequency attached by ClinVar (database versions not stated): gnomAD exomes below 0.00001 and 0.00001; gnomAD 0.00001; TOPMed 0.00001; ExAC 0.00002.
gnomAD v4.1: 7 of 1,614,150 alleles (0.00043%); highest among the groups gnomAD compares: Non-Finnish European, 0.00059%; no homozygotes.

Submission:

Labcorp Genetics (formerly Invitae), Labcorp
Classification: Uncertain significance for Deficiency of adenosine deaminase 2. Last evaluated: 2022-06-05. Review status: criteria provided, single submitter. Criteria: Invitae Variant Classification Sherloc (09022015). Collection method: clinical testing. Allele origin: germline.
Comment: In summary, the available evidence is currently insufficient to determine the role of this variant in disease. Therefore, it has been classified as a Variant of Uncertain Significance. Algorithms developed to predict the effect of missense changes on protein structure and function output the following: SIFT: "Tolerated"; PolyPhen-2: "Benign"; Align-GVGD: "Class C0". The alanine amino acid residue is found in multiple mammalian species, which suggests that this missense change does not adversely affect protein function. ClinVar contains an entry for this variant (Variation ID: 1491093). This variant has not been reported in the literature in individuals affected with ADA2-related conditions. This variant is present in population databases (rs762092127, gnomAD 0.002%). This sequence change replaces glutamic acid, which is acidic and polar, with alanine, which is neutral and non-polar, at codon 157 of the ADA2 protein (p.Glu157Ala).

NM_001282225.2(ADA2):c.470A>C (p.Glu157Ala)

Gene: ADA2 (adenosine deaminase 2; minus strand). Cytogenetic location: 22q11.1.
Variant type: single nucleotide variant.
Coding change: c.470A>C on transcript NM_001282225.2 (MANE Select); coding-DNA position 470, A replaced by C.
Protein change: p.Glu157Ala; replaces glutamic acid 157 with alanine.
Molecular consequence: missense variant.
Genome position (GRCh38, 1-based): chr22:17,207,143, T>G on the plus strand (A>C on the coding strand, the complement: ADA2 is on the minus strand). VCF-style: chr22-17207143-T-G. GRCh37 (hg19) VCF-style: chr22-17688033-T-G.
Other names: c.470A>C, p.Glu157Ala (NM_001282226.2); c.344A>C, p.Glu115Ala (NM_001282227.2, NM_001282228.2); c.110A>C, p.Glu37Ala (NM_001282229.2); short protein forms E115A, E157A, E37A.
Identifiers: ClinVar variation 1491093 (VCV001491093.5), dbSNP rs762092127, ClinGen allele CA10088225.